The following is an entry in ClinVar:

ClinVar aggregate classification (germline): Uncertain significance (1 of 4 stars; one submission).

Submission:

Women's Health and Genetics/Laboratory Corporation of America, LabCorp
Classification: Uncertain significance. Last evaluated: 2025-03-29. Review status: criteria provided, single submitter. Criteria: LabCorp Variant Classification Summary - May 2015. Collection method: clinical testing. Allele origin: germline.
Comment: Variant summary: NPPC c.148C>T (p.Gln50X) results in a premature termination codon, predicted to cause a truncation of the encoded protein or absence of the protein due to nonsense mediated decay, however current evidence is not sufficient to establish loss of function as a mechanism for disease. The variant was absent in 220574 control chromosomes. The available data on variant occurrences in the general population are insufficient to allow any conclusion about variant significance. To our knowledge, no occurrence of c.148C>T in individuals affected with Idiopathic Short Stature and no experimental evidence demonstrating its impact on protein function have been reported. No submitters have cited clinical-significance assessments for this variant to ClinVar. Based on the evidence outlined above, the variant was classified as uncertain significance.

NM_024409.4(NPPC):c.148C>T (p.Gln50Ter)

Gene: NPPC (natriuretic peptide C; minus strand). Cytogenetic location: 2q37.1.
Variant type: single nucleotide variant.
Coding change: c.148C>T on transcript NM_024409.4 (MANE Select); coding-DNA position 148, C replaced by T.
Protein change: p.Gln50Ter; replaces glutamine 50 with a stop codon.
Molecular consequence: nonsense.
Genome position (GRCh38, 1-based): chr2:231,925,658, G>A on the plus strand (C>T on the coding strand, the complement: NPPC is on the minus strand). VCF-style: chr2-231925658-G-A. GRCh37 (hg19) VCF-style: chr2-232790368-G-A.
Other names: short protein forms Q50*.
Identifiers: ClinVar variation 3895667 (VCV003895667.1).